The following is an entry in ClinVar:

ClinVar aggregate classification (germline): Uncertain significance (1 of 4 stars; one submission).

gnomAD v4.1: 1 of 1,556,380 alleles (0.000064%); highest among the groups gnomAD compares: East Asian, 0.0024%; no homozygotes.

Submission:

GeneDx
Classification: Uncertain significance. Last evaluated: 2024-07-30. Review status: criteria provided, single submitter. Criteria: GeneDx Variant Classification Process June 2021. Collection method: clinical testing. Allele origin: germline. Affected: yes.
Comment: Not observed at significant frequency in large population cohorts (gnomAD); In silico analysis indicates that this missense variant does not alter protein structure/function; Has not been previously published as pathogenic or benign to our knowledge.

NM_014727.3(KMT2B):c.6629C>G (p.Pro2210Arg)

Gene: KMT2B (lysine methyltransferase 2B; plus strand). Cytogenetic location: 19q13.12.
Variant type: single nucleotide variant.
Coding change: c.6629C>G on transcript NM_014727.3 (MANE Select); coding-DNA position 6629, C replaced by G.
Protein change: p.Pro2210Arg; replaces proline 2210 with arginine.
Molecular consequence: missense variant.
Genome position (GRCh38, 1-based): chr19:35,733,178, C>G. VCF-style: chr19-35733178-C-G. GRCh37 (hg19) VCF-style: chr19-36224079-C-G.
Other names: short protein forms P2210R.
Identifiers: ClinVar variation 3602526 (VCV003602526.1).